The following is an entry in ClinVar:

NM_005251.3(FOXC2):c.1354G>C (p.Glu452Gln)

Gene: FOXC2 (forkhead box C2; plus strand). Cytogenetic location: 16q24.1.
Variant type: single nucleotide variant.
Coding change: c.1354G>C on transcript NM_005251.3 (MANE Select); coding-DNA position 1354, G replaced by C.
Protein change: p.Glu452Gln; replaces glutamic acid 452 with glutamine.
Molecular consequence: missense variant.
Genome position (GRCh38, 1-based): chr16:86,568,689, G>C. VCF-style: chr16-86568689-G-C. GRCh37 (hg19) VCF-style: chr16-86602295-G-C.
Other names: short protein forms E452Q.
Identifiers: ClinVar variation 2883198 (VCV002883198.3), dbSNP rs906376472, ClinGen allele CA285808130.

ClinVar aggregate classification (germline): Uncertain significance (1 of 4 stars; one submission).

Allele frequency attached by ClinVar (database versions not stated): TOPMed 0.00001.

Submission:

Labcorp Genetics (formerly Invitae), Labcorp
Classification: Uncertain significance. Last evaluated: 2023-10-03. Review status: criteria provided, single submitter. Criteria: Invitae Variant Classification Sherloc (09022015). Collection method: clinical testing. Allele origin: germline.
Comment: This sequence change replaces glutamic acid, which is acidic and polar, with glutamine, which is neutral and polar, at codon 452 of the FOXC2 protein (p.Glu452Gln). This variant is not present in population databases (gnomAD no frequency). This variant has not been reported in the literature in individuals affected with FOXC2-related conditions. An algorithm developed to predict the effect of missense changes on protein structure and function (PolyPhen-2) suggests that this variant is likely to be disruptive. In summary, the available evidence is currently insufficient to determine the role of this variant in disease. Therefore, it has been classified as a Variant of Uncertain Significance.